The following is an entry in ClinVar:

NM_018699.4(PRDM5):c.22G>T (p.Asp8Tyr)

Gene: PRDM5 (PR/SET domain 5; minus strand). Cytogenetic location: 4q27.
Variant type: single nucleotide variant.
Coding change: c.22G>T on transcript NM_018699.4 (MANE Select); coding-DNA position 22, G replaced by T.
Protein change: p.Asp8Tyr; replaces aspartic acid 8 with tyrosine.
Molecular consequence: missense variant.
Genome position (GRCh38, 1-based): chr4:120,922,587, C>A on the plus strand (G>T on the coding strand, the complement: PRDM5 is on the minus strand). VCF-style: chr4-120922587-C-A. GRCh37 (hg19) VCF-style: chr4-121843742-C-A.
Other names: c.22G>T, p.Asp8Tyr (NM_001300823.2, NM_001300824.2, NM_001379104.1 and 1 more transcripts); short protein forms D8Y.
Identifiers: ClinVar variation 4842501 (VCV004842501.1).

ClinVar aggregate classification (germline): Uncertain significance (1 of 4 stars; one submission).

Conditions:
Cardiovascular phenotype. Identifiers: MedGen CN230736.

Submission:

Ambry Genetics
Classification: Uncertain significance for Cardiovascular phenotype. Last evaluated: 2026-01-10. Review status: criteria provided, single submitter. Criteria: Ambry Variant Classification Scheme 2023. Collection method: clinical testing. Allele origin: germline.
Comment: The p.D8Y variant (also known as c.22G>T), located in coding exon 1 of the PRDM5 gene, results from a G to T substitution at nucleotide position 22. The aspartic acid at codon 8 is replaced by tyrosine, an amino acid with highly dissimilar properties. This amino acid position is conserved. In addition, the in silico prediction for this alteration is inconclusive. Based on the available evidence, the clinical significance of this variant remains unclear.